The following is an entry in ClinVar:

ClinVar aggregate classification (germline): Likely pathogenic (1 of 4 stars; one submission).

Conditions:
Gaucher disease. Also called: Acute cerebral Gaucher disease; Cerebroside lipidosis syndrome; Gaucher splenomegaly; Sphingolipidosis 1; Glucocerebrosidosis; Glucosylceramidase deficiency. Identifiers: Orphanet 355, MedGen C0017205, MONDO:0018150.

gnomAD v4.1: 2 of 1,613,912 alleles (0.00012%); highest among the groups gnomAD compares: East Asian, 0.0022%; no homozygotes.

Submission:

Natera, Inc.
Classification: Likely pathogenic for Gaucher disease. Last evaluated: 2025-08-13. Review status: criteria provided, single submitter. Criteria: Natera Variant Classification Schema (03/2026). Collection method: clinical testing. Allele origin: germline.
Comment: The c.1208G>A variant in GBA1 is a missense variant predicted to cause substitution of serine to asparagine at amino acid 403. This variant is rare in the general population with a frequency below the threshold expected for the associated phenotype(s). This variant has been observed in one or more individuals affected with the associated recessive disease, as either homozygous or compound heterozygous with a second variant (PMID: 34134921). A different variant at the same position has been determined to be Pathogenic or Likely Pathogenic. Computational prediction algorithms indicate this variant is likely to affect gene or protein function. Given the available evidence, this variant is classified as Likely Pathogenic.

Literature cited by the submitters: PubMed 34134921.

NM_000157.4(GBA1):c.1208G>A (p.Ser403Asn)

Genes: GBA1 (glucosylceramidase beta 1; minus strand), LOC106627981 (GBA recombination region; plus strand). Cytogenetic location: 1q22.
Variant type: single nucleotide variant.
Coding change: c.1208G>A on transcript NM_000157.4 (MANE Select); coding-DNA position 1208, G replaced by A.
Protein change: p.Ser403Asn; replaces serine 403 with asparagine.
Molecular consequence: missense variant.
Genome position (GRCh38, 1-based): chr1:155,236,261, C>T on the plus strand (G>A on the coding strand, the complement: GBA1 is on the minus strand). VCF-style: chr1-155236261-C-T. GRCh37 (hg19) VCF-style: chr1-155206052-C-T.
Other names: c.1208G>A, p.Ser403Asn (NM_001005741.3, NM_001005742.3); c.947G>A, p.Ser316Asn (NM_001171811.2); c.1061G>A, p.Ser354Asn (NM_001171812.2); short protein forms S316N, S354N, S403N.
Identifiers: ClinVar variation 4817697 (VCV004817697.1).